The following is an entry in ClinVar:

ClinVar aggregate classification (germline): Uncertain significance (1 of 4 stars; one submission).

Submission:

Labcorp Genetics (formerly Invitae), Labcorp
Classification: Uncertain significance. Last evaluated: 2022-08-01. Review status: criteria provided, single submitter. Criteria: Invitae Variant Classification Sherloc (09022015). Collection method: clinical testing. Allele origin: germline.
Comment: In summary, the available evidence is currently insufficient to determine the role of this variant in disease. Therefore, it has been classified as a Variant of Uncertain Significance. Algorithms developed to predict the effect of missense changes on protein structure and function (SIFT, PolyPhen-2, Align-GVGD) all suggest that this variant is likely to be tolerated. This variant has not been reported in the literature in individuals affected with ARHGEF10-related conditions. This variant is not present in population databases (gnomAD no frequency). This sequence change replaces glycine, which is neutral and non-polar, with alanine, which is neutral and non-polar, at codon 71 of the ARHGEF10 protein (p.Gly71Ala).

NM_014629.4(ARHGEF10):c.212G>C (p.Gly71Ala)

Gene: ARHGEF10 (Rho guanine nucleotide exchange factor 10; plus strand). Cytogenetic location: 8p23.3.
Variant type: single nucleotide variant.
Coding change: c.212G>C on transcript NM_014629.4 (MANE Select); coding-DNA position 212, G replaced by C.
Protein change: p.Gly71Ala; replaces glycine 71 with alanine.
Molecular consequence: missense variant.
Genome position (GRCh38, 1-based): chr8:1,859,915, G>C. VCF-style: chr8-1859915-G-C. GRCh37 (hg19) VCF-style: chr8-1808081-G-C.
Other names: c.212G>C, p.Gly71Ala (NM_001308152.2, NM_001308153.3); short protein forms G95A, G71A.
Identifiers: ClinVar variation 1967168 (VCV001967168.5), dbSNP rs2536873816, ClinGen allele CA369955484.